The following is an entry in ClinVar:

NM_021228.3(SCAF1):c.1166C>G (p.Ser389Trp)

Gene: SCAF1 (SR-related CTD associated factor 1; plus strand). Cytogenetic location: 19q13.33.
Variant type: single nucleotide variant.
Coding change: c.1166C>G on transcript NM_021228.3 (MANE Select); coding-DNA position 1166, C replaced by G.
Protein change: p.Ser389Trp; replaces serine 389 with tryptophan.
Molecular consequence: missense variant.
Genome position (GRCh38, 1-based): chr19:49,651,555, C>G. VCF-style: chr19-49651555-C-G. GRCh37 (hg19) VCF-style: chr19-50154812-C-G.
Other names: short protein forms S389W.
Identifiers: ClinVar variation 1339914 (VCV001339914.5), dbSNP rs867079547, ClinGen allele CA406862228.

ClinVar aggregate classification (germline): Uncertain significance (1 of 4 stars; one submission).

gnomAD v4.1: 18 of 1,557,464 alleles (0.0012%); highest among the groups gnomAD compares: Non-Finnish European, 0.0016%; no homozygotes.

Submission:

Ambry Genetics
Classification: Uncertain significance. Last evaluated: 2025-09-28. Review status: criteria provided, single submitter. Criteria: Ambry Variant Classification Scheme 2023. Collection method: clinical testing. Allele origin: germline.